The following is an entry in ClinVar:

NM_001130438.3(SPTAN1):c.3775G>A (p.Asp1259Asn)

Gene: SPTAN1 (spectrin alpha, non-erythrocytic 1; plus strand). Cytogenetic location: 9q34.11.
Variant type: single nucleotide variant.
Coding change: c.3775G>A on transcript NM_001130438.3 (MANE Select); coding-DNA position 3775, G replaced by A.
Protein change: p.Asp1259Asn; replaces aspartic acid 1259 with asparagine.
Molecular consequence: missense variant.
Genome position (GRCh38, 1-based): chr9:128,605,089, G>A. VCF-style: chr9-128605089-G-A. GRCh37 (hg19) VCF-style: chr9-131367368-G-A.
Other names: c.3715G>A, p.Asp1239Asn (NM_001195532.2, NM_001363765.2, NM_001375314.2); c.3775G>A, p.Asp1259Asn (NM_001363759.2, NM_001375310.1, NM_001375311.2 and 2 more transcripts); c.3811G>A, p.Asp1271Asn (NM_001375312.2, NM_001375318.1); short protein forms D1239N, D1271N, D1259N.
Identifiers: ClinVar variation 1033316 (VCV001033316.1), dbSNP rs1855652617, ClinGen allele CA375064476.

ClinVar aggregate classification (germline): Uncertain significance (1 of 4 stars; one submission).

Conditions:
Developmental and epileptic encephalopathy, 5 (DEE5). Identifiers: Orphanet 3451, MedGen C3150731, MONDO:0013277, OMIM 613477.

Allele frequency attached by ClinVar (database versions not stated): gnomAD exomes below 0.00001.
gnomAD v4.1: 1 of 1,614,006 alleles (0.000062%); highest among the groups gnomAD compares: African/African-American, 0.0013%; no homozygotes.

Submission:

Baylor Genetics
Classification: Uncertain significance for Developmental and epileptic encephalopathy, 5. Last evaluated: 2018-01-16. Review status: criteria provided, single submitter. Criteria: ACMG Guidelines, 2015. Collection method: clinical testing. Allele origin: paternal. Affected: yes.
Comment: This variant was determined to be of uncertain significance according to ACMG Guidelines, 2015 [PMID:25741868].